The following is an entry in ClinVar:

NM_021020.5(LZTS1):c.1028G>A (p.Arg343Gln)

Gene: LZTS1 (leucine zipper tumor suppressor 1; minus strand). Cytogenetic location: 8p21.3.
Variant type: single nucleotide variant.
Coding change: c.1028G>A on transcript NM_021020.5 (MANE Select); coding-DNA position 1028, G replaced by A.
Protein change: p.Arg343Gln; replaces arginine 343 with glutamine.
Molecular consequence: missense variant.
Genome position (GRCh38, 1-based): chr8:20,252,903, C>T on the plus strand (G>A on the coding strand, the complement: LZTS1 is on the minus strand). VCF-style: chr8-20252903-C-T. GRCh37 (hg19) VCF-style: chr8-20110414-C-T.
Other names: c.1028G>A, p.Arg343Gln (NM_001362884.2); c.1028G>A (NM_021020.2); short protein forms R343Q.
Identifiers: ClinVar variation 2147629 (VCV002147629.5), dbSNP rs142383987, ClinGen allele CA4657381.
Genomic context (GRCh38, chr8:20,252,903, plus strand): 5'-AGCTTGGTCTCCAGCAGGTCCTGCTCCTTCATGAGGCTCTCGAGCTCCTGCCGGAGCTGC[C>T]GCTTCTCCTGCTGAAGCTGCAGTACCTGCAGGTGCAGGACCTGCTGCGCGCGCTGGCTCT-3'
Protein context (NP_066300.1, residues 333-353): LQVLQLQQEK[Arg343Gln]QLRQELESLM

ClinVar aggregate classification (germline): Uncertain significance. Review status: criteria provided, multiple submitters, no conflicts (2 of 4 stars). 2 submissions from 2 submitters: Uncertain significance (2). Last evaluated 2026-01-27.

Allele frequency attached by ClinVar (database versions not stated): TOPMed 0.00011; gnomAD 0.00012; ESP Exome Variant Server 0.00023.
gnomAD v4.1: 277 of 1,610,406 alleles (0.017%); highest among the groups gnomAD compares: Non-Finnish European, 0.02%; no homozygotes.

Submissions (2):

Labcorp Genetics (formerly Invitae), Labcorp
Classification: Uncertain significance. Last evaluated: 2026-01-27. Review status: criteria provided, single submitter. Criteria: Invitae Variant Classification Sherloc (09022015). Collection method: clinical testing. Allele origin: germline.
Comment: This sequence change replaces arginine, which is basic and polar, with glutamine, which is neutral and polar, at codon 343 of the LZTS1 protein (p.Arg343Gln). This variant is present in population databases (rs142383987, gnomAD 0.02%). This variant has not been reported in the literature in individuals affected with LZTS1-related conditions. ClinVar contains an entry for this variant (Variation ID: 2147629). Invitae Evidence Modeling of protein sequence and biophysical properties (such as structural, functional, and spatial information, amino acid conservation, physicochemical variation, residue mobility, and thermodynamic stability) indicates that this missense variant is not expected to disrupt LZTS1 protein function with a negative predictive value of 80%. In summary, the available evidence is currently insufficient to determine the role of this variant in disease. Therefore, it has been classified as a Variant of Uncertain Significance.

Ambry Genetics
Classification: Uncertain significance. Last evaluated: 2021-07-09. Review status: criteria provided, single submitter. Criteria: Ambry Variant Classification Scheme 2023. Collection method: clinical testing. Allele origin: germline.